The following is an entry in ClinVar:

NM_001365999.1(SZT2):c.4309-1G>A

Gene: SZT2 (SZT2 subunit of KICSTOR complex; plus strand). Cytogenetic location: 1p34.2.
Variant type: single nucleotide variant.
Coding change: c.4309-1G>A on transcript NM_001365999.1 (MANE Select); the canonical splice acceptor site of the intron before coding-DNA position 4309, G replaced by A.
Molecular consequence: splice acceptor variant.
Genome position (GRCh38, 1-based): chr1:43,430,010, G>A. VCF-style: chr1-43430010-G-A. GRCh37 (hg19) VCF-style: chr1-43895681-G-A.
Other names: c.4138-1G>A (NM_015284.4, NM_015284.3).
Identifiers: ClinVar variation 1067818 (VCV001067818.10), dbSNP rs1653665864, ClinGen allele CA340020758.

ClinVar aggregate classification (germline): Conflicting classifications of pathogenicity. Review status: criteria provided, conflicting classifications (1 of 4 stars). 2 submissions from 2 submitters: Likely pathogenic (1); Uncertain significance (1). Last evaluated 2025-12-11.

Conditions:
Inborn genetic diseases. Identifiers: MedGen C0950123, MeSH D030342.

Allele frequency attached by ClinVar (database versions not stated): gnomAD exomes below 0.00001; TOPMed below 0.00001.
gnomAD v4.1: 1 of 1,614,192 alleles (0.000062%); highest among the groups gnomAD compares: Admixed American, 0.0017%; no homozygotes.

Submissions (2):

Ambry Genetics
Classification: Uncertain significance for Inborn genetic diseases. Last evaluated: 2025-12-11. Review status: criteria provided, single submitter. Criteria: Ambry Variant Classification Scheme 2023. Collection method: clinical testing. Allele origin: germline.
Comment: The c.4138-1G>A intronic variant consists of a G to A substitution one nucleotide before exon 29 (coding exon 29) of the SZT2 gene. Alterations that disrupt the canonical splice site are expected to result in aberrant splicing. The resulting transcript is predicted to be in-frame and is not expected to trigger nonsense-mediated mRNA decay, although direct evidence is unavailable. This variant was not reported in population-based cohorts in the Genome Aggregation Database (gnomAD). This nucleotide position is highly conserved in available vertebrate species. In silico splice site analysis predicts that this alteration will weaken the native splice acceptor site and may result in the creation or strengthening of a novel splice acceptor site. Based on insufficient or conflicting evidence, the clinical significance of this alteration remains unclear.

Labcorp Genetics (formerly Invitae), Labcorp
Classification: Likely pathogenic. Last evaluated: 2022-10-13. Review status: criteria provided, single submitter. Criteria: Invitae Variant Classification Sherloc (09022015). Collection method: clinical testing. Allele origin: germline.
Comment: In summary, the currently available evidence indicates that the variant is pathogenic, but additional data are needed to prove that conclusively. Therefore, this variant has been classified as Likely Pathogenic. Algorithms developed to predict the effect of sequence changes on RNA splicing suggest that this variant may disrupt the consensus splice site. ClinVar contains an entry for this variant (Variation ID: 1067818). This variant has not been reported in the literature in individuals affected with SZT2-related conditions. This variant is not present in population databases (gnomAD no frequency). This sequence change affects an acceptor splice site in intron 28 of the SZT2 gene. It is expected to disrupt RNA splicing. Variants that disrupt the donor or acceptor splice site typically lead to a loss of protein function (PMID: 16199547), and loss-of-function variants in SZT2 are known to be pathogenic (PMID: 23932106, 27248490, 28556953).

Literature cited by the submitters: PubMed 16199547 (cited by Labcorp Genetics (formerly Invitae), Labcorp); PubMed 23932106 (cited by Labcorp Genetics (formerly Invitae), Labcorp); PubMed 27248490 (cited by Labcorp Genetics (formerly Invitae), Labcorp); PubMed 28556953 (cited by Labcorp Genetics (formerly Invitae), Labcorp).